The following is an entry in ClinVar:

ClinVar aggregate classification (germline): Uncertain significance. Review status: criteria provided, multiple submitters, no conflicts (2 of 4 stars). 2 submissions from 2 submitters: Uncertain significance (2). Last evaluated 2021-10-20.

Allele frequency attached by ClinVar (database versions not stated): ExAC 0.00002.
gnomAD v4.1: 13 of 1,614,114 alleles (0.00081%); highest among the groups gnomAD compares: Admixed American, 0.018%; no homozygotes.

Submissions (2):

Ambry Genetics
Classification: Uncertain significance. Last evaluated: 2021-10-20. Review status: criteria provided, single submitter. Criteria: Ambry Variant Classification Scheme 2023. Collection method: clinical testing. Allele origin: germline.

Labcorp Genetics (formerly Invitae), Labcorp
Classification: Uncertain significance. Last evaluated: 2021-02-12. Review status: criteria provided, single submitter. Criteria: Invitae Variant Classification Sherloc (09022015). Collection method: clinical testing. Allele origin: germline.
Comment: This sequence change replaces threonine with lysine at codon 238 of the ERMARD protein (p.Thr238Lys). The threonine residue is moderately conserved and there is a moderate physicochemical difference between threonine and lysine. This variant is present in population databases (rs745553707, ExAC 0.02%). In summary, the available evidence is currently insufficient to determine the role of this variant in disease. Therefore, it has been classified as a Variant of Uncertain Significance. Algorithms developed to predict the effect of missense changes on protein structure and function output the following: SIFT: "Deleterious"; PolyPhen-2: "Benign"; Align-GVGD: "Class C0". The lysine amino acid residue is found in multiple mammalian species, suggesting that this missense change does not adversely affect protein function. These predictions have not been confirmed by published functional studies and their clinical significance is uncertain. This variant has not been reported in the literature in individuals with ERMARD-related conditions.

NM_018341.3(ERMARD):c.713C>A (p.Thr238Lys)

Gene: ERMARD (ER membrane associated RNA degradation; plus strand). Cytogenetic location: 6q27.
Variant type: single nucleotide variant.
Coding change: c.713C>A on transcript NM_018341.3 (MANE Select); coding-DNA position 713, C replaced by A.
Protein change: p.Thr238Lys; replaces threonine 238 with lysine.
Molecular consequence: missense variant.
Genome position (GRCh38, 1-based): chr6:169,759,945, C>A. VCF-style: chr6-169759945-C-A. GRCh37 (hg19) VCF-style: chr6-170160041-C-A.
Other names: c.713C>A (NM_018341.1); c.713C>A, p.Thr238Lys (NM_001278531.2, NM_001278533.2); c.335C>A, p.Thr112Lys (NM_001278532.2); short protein forms T238K, T112K.
Identifiers: ClinVar variation 1450654 (VCV001450654.11), dbSNP rs745553707, ClinGen allele CA4105954.
Genomic context (GRCh38, chr6:169,759,945, plus strand): 5'-TGAAGAGTTACCTTCAAAACACTAAACTTACATTGGCACATCGCTCTTTCATATCTCTTA[C>A]AAACCTCGAGGATTTGATTGTTTTTCCTGGTAAGTACTATGTTTCACATTTTTCCTTATA-3'
Protein context (NP_060811.1, residues 228-248): TLAHRSFISL[Thr238Lys]NLEDLIVFPD